The following is an entry in ClinVar:

ClinVar aggregate classification (germline): Uncertain significance (1 of 4 stars; one submission).

Allele frequency attached by ClinVar (database versions not stated): gnomAD exomes below 0.00001.
gnomAD v4.1: 6 of 1,612,904 alleles (0.00037%); highest among the groups gnomAD compares: Non-Finnish European, 0.00051%; no homozygotes.

Submission:

Labcorp Genetics (formerly Invitae), Labcorp
Classification: Uncertain significance. Last evaluated: 2024-01-10. Review status: criteria provided, single submitter. Criteria: Invitae Variant Classification Sherloc (09022015). Collection method: clinical testing. Allele origin: germline.
Comment: This sequence change replaces glutamine, which is neutral and polar, with histidine, which is basic and polar, at codon 38 of the MICAL1 protein (p.Gln38His). This variant is not present in population databases (gnomAD no frequency). This variant has not been reported in the literature in individuals affected with MICAL1-related conditions. An algorithm developed to predict the effect of missense changes on protein structure and function (PolyPhen-2) suggests that this variant is likely to be tolerated. In summary, the available evidence is currently insufficient to determine the role of this variant in disease. Therefore, it has been classified as a Variant of Uncertain Significance.

NM_022765.4(MICAL1):c.57G>T (p.Gln19His)

Gene: MICAL1 (microtubule associated monooxygenase, calponin and LIM domain containing 1; minus strand). Cytogenetic location: 6q21.
Variant type: single nucleotide variant.
Coding change: c.57G>T on transcript NM_022765.4 (MANE Select); coding-DNA position 57, G replaced by T.
Protein change: p.Gln19His; replaces glutamine 19 with histidine.
Molecular consequence: missense variant.
Genome position (GRCh38, 1-based): chr6:109,454,140, C>A on the plus strand (G>T on the coding strand, the complement: MICAL1 is on the minus strand). VCF-style: chr6-109454140-C-A. GRCh37 (hg19) VCF-style: chr6-109775343-C-A.
Other names: c.57G>T, p.Gln19His (NM_001159291.2); c.114G>T, p.Gln38His (NM_001286613.2); short protein forms Q19H, Q38H.
Identifiers: ClinVar variation 2964464 (VCV002964464.3), dbSNP rs1775655680, ClinGen allele CA365234310.